The following is an entry in ClinVar:

NM_023110.3(FGFR1):c.754C>T (p.Pro252Ser)

Gene: FGFR1 (fibroblast growth factor receptor 1; minus strand). Cytogenetic location: 8p11.23.
Variant type: single nucleotide variant.
Coding change: c.754C>T on transcript NM_023110.3 (MANE Select); coding-DNA position 754, C replaced by T.
Protein change: p.Pro252Ser; replaces proline 252 with serine.
Molecular consequence: missense variant.
Genome position (GRCh38, 1-based): chr8:38,424,691, G>A on the plus strand (C>T on the coding strand, the complement: FGFR1 is on the minus strand). VCF-style: chr8-38424691-G-A. GRCh37 (hg19) VCF-style: chr8-38282209-G-A.
Other names: c.754C>T, p.Pro252Ser (NM_001174063.2); c.730C>T, p.Pro244Ser (NM_001174064.2); c.748C>T, p.Pro250Ser (NM_001174065.2, NM_001354367.2, NM_001354369.2 and 2 more transcripts); c.487C>T, p.Pro163Ser (NM_001174066.2, NM_023105.3); c.847C>T, p.Pro283Ser (NM_001174067.2); c.481C>T, p.Pro161Ser (NM_001354368.2, NM_001354370.2, NM_023106.3); short protein forms P161S, P163S, P252S, P244S, P250S, P283S.
Identifiers: ClinVar variation 4782968 (VCV004782968.1).

ClinVar aggregate classification (germline): Uncertain significance (1 of 4 stars; one submission).

Conditions:
Hypogonadotropic hypogonadism 2 with or without anosmia (HH2). Also called: HYPOGONADOTROPIC HYPOGONADISM 2 WITHOUT ANOSMIA; HYPOGONADOTROPIC HYPOGONADISM 2 WITH OR WITHOUT ANOSMIA, SUSCEPTIBILITY TO; HYPOGONADOTROPIC HYPOGONADISM 2 WITHOUT ANOSMIA, SUSCEPTIBILITY TO; FGFR1-Related GnRH Deficiency (Kallmann Syndrome 2). Identifiers: Orphanet 478, MedGen C1563720, MONDO:0007844, OMIM 147950. Disease mechanism: loss of function.
Pfeiffer syndrome (ACS5). Also called: ACS V. Identifiers: Orphanet 710, MedGen C0220658, MONDO:0007043, OMIM 101600.

gnomAD v4.1: 1 of 1,611,232 alleles (0.000062%); highest among the groups gnomAD compares: Non-Finnish European, 0.000085%; no homozygotes.

Submission:

Labcorp Genetics (formerly Invitae), Labcorp
Classification: Uncertain significance for Pfeiffer syndrome; Hypogonadotropic hypogonadism 2 with or without anosmia. Last evaluated: 2025-05-08. Review status: criteria provided, single submitter. Criteria: Invitae Variant Classification Sherloc (09022015). Collection method: clinical testing. Allele origin: germline.
Comment: This sequence change replaces proline, which is neutral and non-polar, with serine, which is neutral and polar, at codon 252 of the FGFR1 protein (p.Pro252Ser). This variant is not present in population databases (gnomAD no frequency). This variant has not been reported in the literature in individuals affected with FGFR1-related conditions. Invitae Evidence Modeling of protein sequence and biophysical properties (such as structural, functional, and spatial information, amino acid conservation, physicochemical variation, residue mobility, and thermodynamic stability) indicates that this missense variant is not expected to disrupt FGFR1 protein function with a negative predictive value of 80%. This variant disrupts the p.Pro252 amino acid residue in FGFR1. Other variant(s) that disrupt this residue have been determined to be pathogenic (PMID: 7795583, 7874169, 10861678, 14564217). This suggests that this residue is clinically significant, and that variants that disrupt this residue are likely to be disease-causing. In summary, the available evidence is currently insufficient to determine the role of this variant in disease. Therefore, it has been classified as a Variant of Uncertain Significance.

Literature cited by the submitters: PubMed 7795583; PubMed 7874169; PubMed 10861678; PubMed 14564217.